The following is an entry in ClinVar:

NM_001277115.2(DNAH11):c.8798-5G>A

Gene: DNAH11 (dynein axonemal heavy chain 11; plus strand). Cytogenetic location: 7p15.3.
Variant type: single nucleotide variant.
Coding change: c.8798-5G>A on transcript NM_001277115.2 (MANE Select); 5 bases into the intron before coding-DNA position 8798, G replaced by A.
Molecular consequence: intron variant.
Genome position (GRCh38, 1-based): chr7:21,750,217, G>A. VCF-style: chr7-21750217-G-A. GRCh37 (hg19) VCF-style: chr7-21789835-G-A.
Identifiers: ClinVar variation 163114 (VCV000163114.46), dbSNP rs189821372, ClinGen allele CA175737.

ClinVar aggregate classification (germline): Conflicting classifications of pathogenicity. Review status: criteria provided, conflicting classifications (1 of 4 stars). 5 submissions from 5 submitters: Uncertain significance (1); Benign (2); Likely benign (2). Last evaluated 2026-02-01.

Conditions:
Primary ciliary dyskinesia. Also called: Ciliary dyskinesia. Identifiers: Orphanet 244, MedGen C0008780, MONDO:0016575, HP:0012265.
Primary ciliary dyskinesia 7. Also called: CILIARY DYSKINESIA, PRIMARY, 7, WITH OR WITHOUT SITUS INVERSUS. Identifiers: Orphanet 244, MedGen C2678473, MONDO:0012748, OMIM 611884.

Allele frequency attached by ClinVar (database versions not stated): 1000 Genomes Project 30x 0.00203; 1000 Genomes Project 0.00240; TOPMed 0.00291; gnomAD 0.00292 and 0.00315; ESP Exome Variant Server 0.00303; ExAC 0.00741.
gnomAD v4.1: 6,550 of 1,590,046 alleles (0.41%); highest among the groups gnomAD compares: South Asian, 1%; 30 homozygotes.

Submissions (5):

Labcorp Genetics (formerly Invitae), Labcorp
Classification: Benign for Primary ciliary dyskinesia. Last evaluated: 2026-02-01. Review status: criteria provided, single submitter. Criteria: Invitae Variant Classification Sherloc (09022015). Collection method: clinical testing. Allele origin: germline.

ARUP Laboratories, Molecular Genetics and Genomics, ARUP Laboratories
Classification: Uncertain significance for Primary ciliary dyskinesia 7. Last evaluated: 2025-01-22. Review status: criteria provided, single submitter. Criteria: ARUP Molecular Germline Variant Investigation Process 2024. Collection method: clinical testing. Allele origin: germline.
Comment: The DNAH11 c.8798-5G>A variant (rs189821372) is reported in the literature in an individual affected with primary ciliary dyskinesia who harbored another DNAH11 variant (c.3544C>T; p.Arg1182Ter) in trans (Shoemark 2018). The c.8798-5G>A variant is reported in ClinVar (Variation ID: 163114) and is found in the general population with an overall allele frequency of 0.3759% (952/253,256 alleles, including 9 homozygotes) in the Genome Aggregation Database. This is an intronic variant in a weakly conserved nucleotide, but computational analyses (Alamut Visual Plus v.1.5.1) predict that this variant may impact splicing by creating a novel cryptic acceptor splice site. However, the splicing impact of this variant would need to be determined by functional studies. While the high population frequency suggests that this is likely a benign variant, given the lack of clinical and functional data, the significance of this variant is uncertain at this time. References: Shoemark A et al C. Primary ciliary dyskinesia with normal ultrastructure: three-dimensional tomography detects absence of DNAH11. Eur Respir J. 2018 Feb 21;51(2):1701809. PMID: 29467202.

CeGaT Center for Human Genetics Tuebingen
Classification: Benign. Last evaluated: 2022-10-01. Review status: criteria provided, single submitter. Criteria: CeGaT Center For Human Genetics Tuebingen Variant Classification Criteria Version 2. Collection method: clinical testing. Allele origin: germline. Affected: yes. Observed: 3 variant alleles.
Comment: DNAH11: PP3, BS1, BS2

Laboratory for Molecular Medicine, Mass General Brigham Personalized Medicine
Classification: Likely benign. Last evaluated: 2013-02-21. Review status: criteria provided, single submitter. Criteria: LMM Criteria. Collection method: clinical testing. Allele origin: germline. Observed: 2 variant alleles.
Comment: 8798-5G>A in intron 53 of DNAH11: This variant is not expected to have clinical significance because it has been identified in 0.4% (34/8186) of European Americ an chromosomes from a broad population by the NHLBI Exome Sequencing Project (dbSNP rs189821372).

PreventionGenetics, part of Exact Sciences
Classification: Likely benign. Review status: criteria provided, single submitter. Criteria: ACMG Guidelines, 2015. Collection method: clinical testing. Allele origin: germline.